The following is an entry in ClinVar:

NM_018249.6(CDK5RAP2):c.1498G>C (p.Asp500His)

Gene: CDK5RAP2 (CDK5 regulatory subunit associated protein 2; minus strand). Cytogenetic location: 9q33.2.
Variant type: single nucleotide variant.
Coding change: c.1498G>C on transcript NM_018249.6 (MANE Select); coding-DNA position 1498, G replaced by C.
Protein change: p.Asp500His; replaces aspartic acid 500 with histidine.
Molecular consequence: missense variant. On other transcripts: non-coding transcript variant (5).
Genome position (GRCh38, 1-based): chr9:120,487,422, C>G on the plus strand (G>C on the coding strand, the complement: CDK5RAP2 is on the minus strand). VCF-style: chr9-120487422-C-G. GRCh37 (hg19) VCF-style: chr9-123249700-C-G.
Other names: c.1498G>C, p.Asp500His (NM_001011649.3, NM_001272039.2, NM_001410992.1 and 2 more transcripts); short protein forms D500H.
Identifiers: ClinVar variation 1991941 (VCV001991941.4), dbSNP rs777982872, ClinGen allele CA5214357.

ClinVar aggregate classification (germline): Uncertain significance (1 of 4 stars; one submission).

Allele frequency attached by ClinVar (database versions not stated): ExAC 0.00002.
gnomAD v4.1: 13 of 1,606,610 alleles (0.00081%); highest among the groups gnomAD compares: Non-Finnish European, 0.0011%; no homozygotes.

Submission:

Labcorp Genetics (formerly Invitae), Labcorp
Classification: Uncertain significance. Last evaluated: 2022-05-29. Review status: criteria provided, single submitter. Criteria: Invitae Variant Classification Sherloc (09022015). Collection method: clinical testing. Allele origin: germline.
Comment: In summary, the available evidence is currently insufficient to determine the role of this variant in disease. Therefore, it has been classified as a Variant of Uncertain Significance. Algorithms developed to predict the effect of missense changes on protein structure and function are either unavailable or do not agree on the potential impact of this missense change (SIFT: "Deleterious"; PolyPhen-2: "Probably Damaging"; Align-GVGD: "Class C0"). This variant has not been reported in the literature in individuals affected with CDK5RAP2-related conditions. This variant is present in population databases (rs777982872, gnomAD 0.003%). This sequence change replaces aspartic acid, which is acidic and polar, with histidine, which is basic and polar, at codon 500 of the CDK5RAP2 protein (p.Asp500His).